The following is an entry in ClinVar:

ClinVar aggregate classification (germline): Uncertain significance. Review status: criteria provided, multiple submitters, no conflicts (2 of 4 stars). 2 submissions from 2 submitters: Uncertain significance (2). Last evaluated 2021-11-11.

Conditions:
Inborn genetic diseases. Identifiers: MedGen C0950123, MeSH D030342.
Charcot-Marie-Tooth disease type 4. Also called: Charcot-Marie-Tooth disease, type IV; Charcot-Marie-Tooth, Type 4. Identifiers: Orphanet 64749, MedGen C4082197, MONDO:0018995.

Submissions (2):

Ambry Genetics
Classification: Uncertain significance for Inborn genetic diseases. Last evaluated: 2021-11-11. Review status: criteria provided, single submitter. Criteria: Ambry Variant Classification Scheme 2023. Collection method: clinical testing. Allele origin: germline.
Comment: The p.G415V variant (also known as c.1244G>T), located in coding exon 11 of the SH3TC2 gene, results from a G to T substitution at nucleotide position 1244. The glycine at codon 415 is replaced by valine, an amino acid with dissimilar properties. This amino acid position is conserved. In addition, this alteration is predicted to be tolerated by in silico analysis. Since supporting evidence is limited at this time, the clinical significance of this alteration remains unclear.

Labcorp Genetics (formerly Invitae), Labcorp
Classification: Uncertain significance for Charcot-Marie-Tooth disease type 4. Last evaluated: 2021-08-20. Review status: criteria provided, single submitter. Criteria: Invitae Variant Classification Sherloc (09022015). Collection method: clinical testing. Allele origin: germline.
Comment: This sequence change replaces glycine with valine at codon 415 of the SH3TC2 protein (p.Gly415Val). The glycine residue is highly conserved and there is a moderate physicochemical difference between glycine and valine. This variant is not present in population databases (ExAC no frequency). This variant has not been reported in the literature in individuals affected with SH3TC2-related conditions. Algorithms developed to predict the effect of missense changes on protein structure and function are either unavailable or do not agree on the potential impact of this missense change (SIFT: "Deleterious"; PolyPhen-2: "Benign"; Align-GVGD: "Class C15"). In summary, the available evidence is currently insufficient to determine the role of this variant in disease. Therefore, it has been classified as a Variant of Uncertain Significance.

NM_024577.4(SH3TC2):c.1244G>T (p.Gly415Val)

Gene: SH3TC2 (SH3 domain and tetratricopeptide repeats 2; minus strand). Cytogenetic location: 5q32.
Variant type: single nucleotide variant.
Coding change: c.1244G>T on transcript NM_024577.4 (MANE Select); coding-DNA position 1244, G replaced by T.
Protein change: p.Gly415Val; replaces glycine 415 with valine.
Molecular consequence: missense variant.
Genome position (GRCh38, 1-based): chr5:149,028,488, C>A on the plus strand (G>T on the coding strand, the complement: SH3TC2 is on the minus strand). VCF-style: chr5-149028488-C-A. GRCh37 (hg19) VCF-style: chr5-148408051-C-A.
Other names: short protein forms G415V.
Identifiers: ClinVar variation 572567 (VCV000572567.7), dbSNP rs1561765509, ClinGen allele CA361669475.
Genomic context (GRCh38, chr5:149,028,488, plus strand): 5'-GTGGCCGAGAGGAGCTCCTCCTCCAGGCTGGAGTCCTCAGAGCTGCTGGACTGTCTGGAC[C>A]CCACGGCCTGATGCTCCTCCCAGGCTCTGCCAGGCCTGACCTCCTTGAAACCTTCAGGCT-3'
Protein context (NP_078853.2, residues 405-425): GRAWEEHQAV[Gly415Val]SRQSSSSEDS